The following is an entry in ClinVar:

ClinVar aggregate classification (germline): Uncertain significance. Review status: criteria provided, multiple submitters, no conflicts (2 of 4 stars). 2 submissions from 2 submitters: Uncertain significance (2). Last evaluated 2024-09-12.

Conditions:
Rhabdoid tumor predisposition syndrome 2 (RTPS2). Identifiers: Orphanet 231108, Orphanet 69077, MedGen C2750074, MONDO:0013224, OMIM 613325.
Hereditary cancer-predisposing syndrome. Also called: Neoplastic Syndromes, Hereditary; Tumor predisposition; Hereditary neoplastic syndrome; Hereditary Cancer Syndrome. Identifiers: Orphanet 140162, MedGen C0027672, MeSH D009386, MONDO:0015356.

Submissions (2):

Labcorp Genetics (formerly Invitae), Labcorp
Classification: Uncertain significance for Rhabdoid tumor predisposition syndrome 2. Last evaluated: 2024-09-12. Review status: criteria provided, single submitter. Criteria: Invitae Variant Classification Sherloc (09022015). Collection method: clinical testing. Allele origin: germline.
Comment: This sequence change replaces glutamic acid, which is acidic and polar, with aspartic acid, which is acidic and polar, at codon 590 of the SMARCA4 protein (p.Glu590Asp). This variant is not present in population databases (gnomAD no frequency). This variant has not been reported in the literature in individuals affected with SMARCA4-related conditions. Invitae Evidence Modeling of protein sequence and biophysical properties (such as structural, functional, and spatial information, amino acid conservation, physicochemical variation, residue mobility, and thermodynamic stability) indicates that this missense variant is not expected to disrupt SMARCA4 protein function with a negative predictive value of 95%. In summary, the available evidence is currently insufficient to determine the role of this variant in disease. Therefore, it has been classified as a Variant of Uncertain Significance.

Ambry Genetics
Classification: Uncertain significance for Hereditary cancer-predisposing syndrome. Last evaluated: 2024-05-28. Review status: criteria provided, single submitter. Criteria: Ambry Variant Classification Scheme 2023. Collection method: clinical testing. Allele origin: germline.
Comment: The p.E590D variant (also known as c.1770A>C), located in coding exon 10 of the SMARCA4 gene, results from an A to C substitution at nucleotide position 1770. The glutamic acid at codon 590 is replaced by aspartic acid, an amino acid with highly similar properties. This amino acid position is conserved. In addition, this alteration is predicted to be tolerated by in silico analysis. Based on the available evidence, the clinical significance of this variant remains unclear.

NM_003072.5(SMARCA4):c.1770A>C (p.Glu590Asp)

Gene: SMARCA4 (SWI/SNF related BAF chromatin remodeling complex subunit ATPase 4; plus strand). Cytogenetic location: 19p13.2.
Variant type: single nucleotide variant.
Coding change: c.1770A>C on transcript NM_003072.5 (MANE Select); coding-DNA position 1770, A replaced by C.
Protein change: p.Glu590Asp; replaces glutamic acid 590 with aspartic acid.
Molecular consequence: missense variant. On other transcripts: non-coding transcript variant (1).
Genome position (GRCh38, 1-based): chr19:10,996,502, A>C. VCF-style: chr19-10996502-A-C. GRCh37 (hg19) VCF-style: chr19-11107178-A-C.
Other names: c.1770A>C, p.Glu590Asp (NM_001128844.3, NM_001128845.2, NM_001128846.2 and 6 more transcripts); short protein forms E590D.
Identifiers: ClinVar variation 3320754 (VCV003320754.3).